The following is an entry in ClinVar:

ClinVar aggregate classification (germline): Uncertain significance (1 of 4 stars; one submission).

Conditions:
Wilson disease (WND). Also called: Wilson's disease. Identifiers: Orphanet 905, MedGen C0019202, MONDO:0010200, OMIM 277900. Disease mechanism: loss of function.

Submission:

Dasa
Classification: Uncertain significance for Wilson disease. Last evaluated: 2026-04-11. Review status: criteria provided, single submitter. Criteria: DASA Assertion Criteria. Collection method: clinical testing. Allele origin: germline.
Comment: NM_000053.4(ATP7B):c.3457T>C (p.Trp1153Arg) is a missense variant that results in the substitution of tryptophan with arginine. The affected residue or protein region has prior evidence supporting clinical relevance. This variant is absent from population databases. Computational prediction algorithms are consistent with a deleterious effect. The currently available literature and clinical evidence are not sufficient to establish a definitive association between this variant and the reported condition. Therefore, this variant is classified as a variant of uncertain significance.

NM_000053.4(ATP7B):c.3457T>C (p.Trp1153Arg)

Gene: ATP7B (ATPase copper transporting beta; minus strand). Cytogenetic location: 13q14.3.
Variant type: single nucleotide variant.
Coding change: c.3457T>C on transcript NM_000053.4 (MANE Select); coding-DNA position 3457, T replaced by C.
Protein change: p.Trp1153Arg; replaces tryptophan 1153 with arginine.
Molecular consequence: missense variant. On other transcripts: intron variant (2).
Genome position (GRCh38, 1-based): chr13:51,941,180, A>G on the plus strand (T>C on the coding strand, the complement: ATP7B is on the minus strand). VCF-style: chr13-51941180-A-G. GRCh37 (hg19) VCF-style: chr13-52515316-A-G.
Other names: c.2776T>C, p.Trp926Arg (NM_001406546.1); c.2614T>C, p.Trp872Arg (NM_001406547.1); c.2167T>C, p.Trp723Arg (NM_001406548.1); c.3064+1206T>C (NM_001406543.1); c.3178+1206T>C (NM_001406538.1); c.2836T>C, p.Trp946Arg (NM_001005918.3); c.3124T>C, p.Trp1042Arg (NM_001243182.2); c.3223T>C, p.Trp1075Arg (NM_001330578.2, NM_001406527.1, NM_001406528.1); and 20 more; short protein forms W1004R, W1010R, W1040R, W1042R, W1043R, W1057R, W1069R, W1073R.
Identifiers: ClinVar variation 4882877 (VCV004882877.2).